The following is an entry in ClinVar:

NM_006767.4(LZTR1):c.1514G>A (p.Arg505Gln)

Gene: LZTR1 (leucine zipper like post translational regulator 1; plus strand). Cytogenetic location: 22q11.21.
Variant type: single nucleotide variant.
Coding change: c.1514G>A on transcript NM_006767.4 (MANE Select); coding-DNA position 1514, G replaced by A.
Protein change: p.Arg505Gln; replaces arginine 505 with glutamine.
Molecular consequence: missense variant.
Genome position (GRCh38, 1-based): chr22:20,994,168, G>A. VCF-style: chr22-20994168-G-A. GRCh37 (hg19) VCF-style: chr22-21348457-G-A.
Other names: short protein forms R505Q.
Identifiers: ClinVar variation 1381214 (VCV001381214.12), dbSNP rs201773172, ClinGen allele CA10118925.
Genomic context (GRCh38, chr22:20,994,168, plus strand): 5'-TGGAGCAGGAGGCCGCCCCAGTTCCCAGGGAGGCCCCCGGCGTGGCTGCTGGTGGGGCCC[G>A]GCCGCCCCTGCTGCACGTGGCCATCCGGGAGGCCGAGGCCCGGCCCTTCGAGGTGCTCAT-3'
Protein context (NP_006758.2, residues 495-515): EAPGVAAGGA[Arg505Gln]PPLLHVAIRE

ClinVar aggregate classification (germline): Conflicting classifications of pathogenicity. Review status: criteria provided, conflicting classifications (1 of 4 stars). 4 submissions from 4 submitters: Uncertain significance (3); Likely benign (1). Last evaluated 2026-01-04.

Conditions:
Cardiovascular phenotype. Identifiers: MedGen CN230736.
Hereditary cancer-predisposing syndrome. Also called: Tumor predisposition; Neoplastic Syndromes, Hereditary; Hereditary Cancer Syndrome; Hereditary neoplastic syndrome. Identifiers: Orphanet 140162, MedGen C0027672, MeSH D009386, MONDO:0015356.
LZTR1-related schwannomatosis. Also called: Schwannomatosis-2, susceptibility to; Schwannomatosis 2. Identifiers: Orphanet 93921, MedGen C3810283, MONDO:0014299, OMIM 615670.

Allele frequency attached by ClinVar (database versions not stated): gnomAD 0.00003 and 0.00004; gnomAD exomes 0.00003 and 0.00005; ESP Exome Variant Server 0.00008; ExAC 0.00014; 1000 Genomes Project 30x 0.00016; 1000 Genomes Project 0.00020.
gnomAD v4.1: 47 of 1,597,338 alleles (0.0029%); highest among the groups gnomAD compares: Non-Finnish European, 0.0032%; no homozygotes.

Submissions (4):

Labcorp Genetics (formerly Invitae), Labcorp
Classification: Uncertain significance. Last evaluated: 2026-01-04. Review status: criteria provided, single submitter. Criteria: Invitae Variant Classification Sherloc (09022015). Collection method: clinical testing. Allele origin: germline.
Comment: This sequence change replaces arginine, which is basic and polar, with glutamine, which is neutral and polar, at codon 505 of the LZTR1 protein (p.Arg505Gln). This variant is present in population databases (rs201773172, gnomAD 0.008%). This missense change has been observed in individual(s) with unexplained cardiac arrest (PMID: 35352813). ClinVar contains an entry for this variant (Variation ID: 1381214). Invitae Evidence Modeling of protein sequence and biophysical properties (such as structural, functional, and spatial information, amino acid conservation, physicochemical variation, residue mobility, and thermodynamic stability) indicates that this missense variant is not expected to disrupt LZTR1 protein function with a negative predictive value of 80%. In summary, the available evidence is currently insufficient to determine the role of this variant in disease. Therefore, it has been classified as a Variant of Uncertain Significance.

Women's Health and Genetics/Laboratory Corporation of America, LabCorp
Classification: Uncertain significance. Last evaluated: 2025-08-29. Review status: criteria provided, single submitter. Criteria: LabCorp Variant Classification Summary - May 2015. Collection method: clinical testing. Allele origin: germline.
Comment: Variant summary: LZTR1 c.1514G>A (p.Arg505Gln) results in a conservative amino acid change located in the BTB/POZ domain (IPR000210) of the encoded protein sequence. Algorithms developed to predict the effect of missense changes on protein structure and function all suggest that this variant is likely to be tolerated. The variant allele was found at a frequency of 4.6e-05 in 217488 control chromosomes. This frequency is not significantly higher than estimated for disease-causing variants in LZTR1, allowing no conclusion about variant significance. c.1514G>A has been observed in individual(s) affected with Unexplained cardiac arrest (Grondin_2022). These report(s) do not provide unequivocal conclusions about association of the variant with Noonan Syndrome 2. To our knowledge, no experimental evidence demonstrating an impact on protein function has been reported. The following publication has been ascertained in the context of this evaluation (PMID: 35352813). ClinVar contains an entry for this variant (Variation ID: 1381214). Based on the evidence outlined above, the variant was classified as uncertain significance.

Ambry Genetics
Classification: Likely benign for Cardiovascular phenotype; Hereditary cancer-predisposing syndrome. Last evaluated: 2024-11-18. Review status: criteria provided, single submitter. Criteria: Ambry Variant Classification Scheme 2023. Collection method: clinical testing. Allele origin: germline.

Baylor Genetics
Classification: Uncertain significance for LZTR1-related schwannomatosis. Last evaluated: 2023-09-15. Review status: criteria provided, single submitter. Criteria: ACMG Guidelines, 2015. Collection method: clinical testing. Allele origin: unknown.

Literature cited by the submitters: PubMed 35352813 (cited by Labcorp Genetics (formerly Invitae), Labcorp and Women's Health and Genetics/Laboratory Corporation of America, LabCorp).